The following is an entry in ClinVar:

NM_181332.3(NLGN4X):c.1110C>T (p.Gly370=)

Gene: NLGN4X (neuroligin 4 X-linked; minus strand). Cytogenetic location: Xp22.32.
Variant type: single nucleotide variant.
Coding change: c.1110C>T on transcript NM_181332.3 (MANE Select); coding-DNA position 1110, C replaced by T.
Protein change: p.Gly370=; no amino-acid change (glycine 370 retained).
Molecular consequence: synonymous variant.
Genome position (GRCh38, 1-based): chrX:5,903,568, G>A on the plus strand (C>T on the coding strand, the complement: NLGN4X is on the minus strand). VCF-style: chrX-5903568-G-A. GRCh37 (hg19) VCF-style: chrX-5821609-G-A.
Other names: c.1110C>T, p.Gly370= (NM_001282145.2, NM_001282146.2, NM_020742.4).
Identifiers: ClinVar variation 2659902 (VCV002659902.24), dbSNP rs749932024, ClinGen allele CA10341071.

ClinVar aggregate classification (germline): Likely benign (1 of 4 stars; one submission).

Allele frequency attached by ClinVar (database versions not stated): TOPMed 0.00002; ExAC 0.00003; gnomAD exomes 0.00003; gnomAD 0.00004; 1000 Genomes Project 30x 0.00021.
gnomAD v4.1: 42 of 1,208,519 alleles (0.0035%); highest among the groups gnomAD compares: South Asian, 0.012%; no homozygotes.

Submission:

CeGaT Center for Human Genetics Tuebingen
Classification: Likely benign. Last evaluated: 2023-06-01. Review status: criteria provided, single submitter. Criteria: CeGaT Center For Human Genetics Tuebingen Variant Classification Criteria Version 2. Collection method: clinical testing. Allele origin: germline. Affected: yes. Observed: 1 variant allele.
Comment: NLGN4X: BP4, BP7